The following is an entry in ClinVar:

ClinVar aggregate classification (germline): Uncertain significance (1 of 4 stars; one submission).

Conditions:
Fanconi anemia (FA). Also called: Fanconi's anemia. Identifiers: Orphanet 84, MedGen C0015625, MeSH D005199, MONDO:0019391.

Submission:

Labcorp Genetics (formerly Invitae), Labcorp
Classification: Uncertain significance for Fanconi anemia. Last evaluated: 2021-08-06. Review status: criteria provided, single submitter. Criteria: Invitae Variant Classification Sherloc (09022015). Collection method: clinical testing. Allele origin: germline.
Comment: This variant has not been reported in the literature in individuals affected with FANCM-related conditions. Algorithms developed to predict the effect of missense changes on protein structure and function are either unavailable or do not agree on the potential impact of this missense change (SIFT: "Deleterious"; PolyPhen-2: "Benign"; Align-GVGD: "Class C0"). In summary, the available evidence is currently insufficient to determine the role of this variant in disease. Therefore, it has been classified as a Variant of Uncertain Significance. This variant is not present in population databases (ExAC no frequency). This sequence change replaces leucine with glutamine at codon 526 of the FANCM protein (p.Leu526Gln). The leucine residue is highly conserved and there is a moderate physicochemical difference between leucine and glutamine.

NM_020937.4(FANCM):c.1577T>A (p.Leu526Gln)

Gene: FANCM (FA complementation group M; plus strand). Cytogenetic location: 14q21.2.
Variant type: single nucleotide variant.
Coding change: c.1577T>A on transcript NM_020937.4 (MANE Select); coding-DNA position 1577, T replaced by A.
Protein change: p.Leu526Gln; replaces leucine 526 with glutamine.
Molecular consequence: missense variant.
Genome position (GRCh38, 1-based): chr14:45,159,276, T>A. VCF-style: chr14-45159276-T-A. GRCh37 (hg19) VCF-style: chr14-45628479-T-A.
Other names: c.1499T>A, p.Leu500Gln (NM_001308133.2); c.1577T>A, p.Leu526Gln (NM_001308134.2); short protein forms L500Q, L526Q.
Identifiers: ClinVar variation 1510752 (VCV001510752.6), dbSNP rs766715021, ClinGen allele CA389592749.